The following is an entry in ClinVar:

NM_148960.3(CLDN19):c.626+15C>T

Gene: CLDN19 (claudin 19; minus strand). Cytogenetic location: 1p34.2.
Variant type: single nucleotide variant.
Coding change: c.626+15C>T on transcript NM_148960.3 (MANE Select); 15 bases into the intron after coding-DNA position 626, C replaced by T.
Molecular consequence: intron variant. On other transcripts: 3 prime UTR variant (1), missense variant (1).
Genome position (GRCh38, 1-based): chr1:42,735,863, G>A on the plus strand (C>T on the coding strand, the complement: CLDN19 is on the minus strand). VCF-style: chr1-42735863-G-A. GRCh37 (hg19) VCF-style: chr1-43201534-G-A.
Other names: c.*5C>T (NM_001123395.2); c.556C>T, p.Arg186Cys (NM_001185117.2); short protein forms R186C.
Identifiers: ClinVar variation 297339 (VCV000297339.16), dbSNP rs4660658, ClinGen allele CA801326.

ClinVar aggregate classification (germline): Benign. Review status: criteria provided, multiple submitters, no conflicts (2 of 4 stars). 5 submissions from 5 submitters: Benign (5). Last evaluated 2026-02-04.

Conditions:
Renal hypomagnesemia 5 with ocular involvement. Also called: FHHNC WITH SEVERE OCULAR INVOLVEMENT; HYPOMAGNESEMIA, FAMILIAL, WITH HYPERCALCIURIA, NEPHROCALCINOSIS, AND SEVERE OCULAR INVOLVEMENT; HYPOMAGNESEMIA 5, RENAL, WITH OR WITHOUT OCULAR INVOLVEMENT; MACULAR COLOBOMA, BILATERAL, WITH HYPERCALCIURIA. Identifiers: Orphanet 2196, MedGen C4721891, MONDO:0009548, OMIM 248190.

Allele frequency attached by ClinVar (database versions not stated): gnomAD exomes 0.15886; ESP Exome Variant Server 0.18175; gnomAD 0.18609 and 0.18865; 1000 Genomes Project 30x 0.18973; 1000 Genomes Project 0.19050; TOPMed 0.20047.

Submissions (5):

Labcorp Genetics (formerly Invitae), Labcorp
Classification: Benign. Last evaluated: 2026-02-04. Review status: criteria provided, single submitter. Criteria: Invitae Variant Classification Sherloc (09022015). Collection method: clinical testing. Allele origin: germline.

Blueprint Genetics
Classification: Benign. Last evaluated: 2024-11-26. Review status: criteria provided, single submitter. Criteria: ACMG Guidelines, 2015. Collection method: clinical testing. Allele origin: germline.

GeneDx
Classification: Benign. Last evaluated: 2018-11-10. Review status: criteria provided, single submitter. Criteria: GeneDx Variant Classification Process June 2021. Collection method: clinical testing. Allele origin: germline. Affected: yes.

Illumina Laboratory Services, Illumina
Classification: Benign for Renal hypomagnesemia 5 with ocular involvement. Last evaluated: 2018-01-13. Review status: criteria provided, single submitter. Criteria: ICSL Variant Classification Criteria 13 December 2019. Collection method: clinical testing. Allele origin: germline.
Comment: This variant was observed in the ICSL laboratory as part of a predisposition screen in an ostensibly healthy population. It had not been previously curated by ICSL or reported in the Human Gene Mutation Database (HGMD: prior to June 1st, 2018), and was therefore a candidate for classification through an automated scoring system. Utilizing variant allele frequency, disease prevalence and penetrance estimates, and inheritance mode, an automated score was calculated to assess if this variant is too frequent to cause the disease. Based on the score and internal cut-off values, a variant classified as benign is not then subjected to further curation. The score for this variant resulted in a classification of benign for this disease.

Breakthrough Genomics
Classification: Benign. Review status: criteria provided, single submitter. Criteria: ACMG Guidelines, 2015. Collection method: not provided. Allele origin: germline. Inheritance: Autosomal recessive inheritance. Affected: yes.